The following is an entry in ClinVar:

ClinVar aggregate classification (germline): Uncertain significance (1 of 4 stars; one submission).

gnomAD v4.1: 4 of 1,611,954 alleles (0.00025%); highest among the groups gnomAD compares: Non-Finnish European, 0.00034%; no homozygotes.

Submission:

Women's Health and Genetics/Laboratory Corporation of America, LabCorp
Classification: Uncertain significance. Last evaluated: 2026-01-08. Review status: criteria provided, single submitter. Criteria: LabCorp Variant Classification Summary - May 2015. Collection method: clinical testing. Allele origin: germline.
Comment: Variant summary: MTSS2 c.586C>T (p.Arg196Cys) results in a non-conservative amino acid change in the encoded protein sequence. Algorithms developed to predict the effect of missense changes on protein structure and function are either unavailable or do not agree on the potential impact of this missense change. The variant was absent in 249044 control chromosomes. The available data on variant occurrences in the general population are insufficient to allow any conclusion about variant significance. To our knowledge, no occurrence of c.586C>T in individuals affected with MTSS2-related conditions and no experimental evidence demonstrating its impact on protein function have been reported. No submitters have cited clinical-significance assessments for this variant to ClinVar. Based on the evidence outlined above, the variant was classified as uncertain significance.

NM_138383.3(MTSS2):c.586C>T (p.Arg196Cys)

Gene: MTSS2 (MTSS I-BAR domain containing 2; minus strand). Cytogenetic location: 16q22.1.
Variant type: single nucleotide variant.
Coding change: c.586C>T on transcript NM_138383.3 (MANE Select); coding-DNA position 586, C replaced by T.
Protein change: p.Arg196Cys; replaces arginine 196 with cysteine.
Molecular consequence: missense variant.
Genome position (GRCh38, 1-based): chr16:70,678,290, G>A on the plus strand (C>T on the coding strand, the complement: MTSS2 is on the minus strand). VCF-style: chr16-70678290-G-A. GRCh37 (hg19) VCF-style: chr16-70712193-G-A.
Other names: short protein forms R196C.
Identifiers: ClinVar variation 4689544 (VCV004689544.1).